The following is an entry in ClinVar:

ClinVar aggregate classification (germline): Pathogenic/Likely pathogenic. Review status: criteria provided, multiple submitters, no conflicts (2 of 4 stars). 2 submissions from 2 submitters: Pathogenic (1); Likely pathogenic (1). Last evaluated 2024-05-08.

Conditions:
Hematuria, benign familial, 2 (BFH2). Identifiers: MedGen C5830421, MONDO:0958186, OMIM 620320.
Autosomal dominant Alport syndrome (ATS3A). Also called: ALPORT SYNDROME 3A, AUTOSOMAL DOMINANT; Alport syndrome dominant type; Renal failure and sensorineural hearing loss. Identifiers: Orphanet 63, Orphanet 88918, MedGen C5882663, MONDO:0007086, OMIM 104200.
Alport syndrome 3b, autosomal recessive. Identifiers: MedGen C5882699, MONDO:0957811, OMIM 620536.

Allele frequency attached by ClinVar (database versions not stated): gnomAD exomes below 0.00001.
gnomAD v4.1: 2 of 1,614,028 alleles (0.00012%); highest among the groups gnomAD compares: African/African-American, 0.0013%; no homozygotes.

Submissions (2):

Fulgent Genetics
Classification: Likely pathogenic for Autosomal dominant Alport syndrome; Hematuria, benign familial, 2; Alport syndrome 3b, autosomal recessive. Last evaluated: 2024-05-08. Review status: criteria provided, single submitter. Criteria: ACMG Guidelines, 2015. Collection method: clinical testing. Allele origin: germline.

Labcorp Genetics (formerly Invitae), Labcorp
Classification: Pathogenic. Last evaluated: 2021-09-15. Review status: criteria provided, single submitter. Criteria: Invitae Variant Classification Sherloc (09022015). Collection method: clinical testing. Allele origin: germline.
Comment: This sequence change creates a premature translational stop signal (p.Ser1422*) in the COL4A3 gene. It is expected to result in an absent or disrupted protein product. Loss-of-function variants in COL4A3 are known to be pathogenic (PMID: 8956999, 24854265, 26809805, 27281700). This variant is not present in population databases (ExAC no frequency). This variant has not been reported in the literature in individuals affected with COL4A3-related conditions. For these reasons, this variant has been classified as Pathogenic.

Literature cited by the submitters: PubMed 8956999 (cited by Labcorp Genetics (formerly Invitae), Labcorp); PubMed 24854265 (cited by Labcorp Genetics (formerly Invitae), Labcorp); PubMed 26809805 (cited by Labcorp Genetics (formerly Invitae), Labcorp); PubMed 27281700 (cited by Labcorp Genetics (formerly Invitae), Labcorp).

NM_000091.5(COL4A3):c.4265C>G (p.Ser1422Ter)

Genes: COL4A3 (collagen type IV alpha 3 chain; plus strand), MFF-DT (MFF divergent transcript; minus strand). Cytogenetic location: 2q36.3.
Variant type: single nucleotide variant.
Coding change: c.4265C>G on transcript NM_000091.5 (MANE Select); coding-DNA position 4265, C replaced by G.
Protein change: p.Ser1422Ter; replaces serine 1422 with a stop codon.
Molecular consequence: nonsense.
Genome position (GRCh38, 1-based): chr2:227,307,722, C>G. VCF-style: chr2-227307722-C-G. GRCh37 (hg19) VCF-style: chr2-228172438-C-G.
Other names: short protein forms S1422*.
Identifiers: ClinVar variation 1410422 (VCV001410422.7), dbSNP rs2106283830, ClinGen allele CA350864128.